The following is an entry in ClinVar:

ClinVar aggregate classification (germline): Uncertain significance. Review status: criteria provided, multiple submitters, no conflicts (2 of 4 stars). 5 submissions from 5 submitters: Uncertain significance (5). Last evaluated 2024-05-31.

Conditions:
Hypertrophic cardiomyopathy 1 (CMH1). Also called: MYH7-Related Familial Hypertrophic Cardiomyopathy; Familial hypertrophic cardiomyopathy 1. Identifiers: MedGen C3495498, MONDO:0008647, OMIM 192600.
Cardiomyopathy (CMYO). Also called: Cardiomyopathies. Identifiers: Orphanet 167848, MedGen C0878544, MONDO:0004994, HP:0001638. Inheritance: Various modes of inheritance.
Hypertrophic cardiomyopathy. Also called: HYPERTROPHIC MYOCARDIOPATHY. Identifiers: Orphanet 217569, MedGen C0007194, MeSH D002312, MONDO:0005045, HP:0001639.

Allele frequency attached by ClinVar (database versions not stated): gnomAD exomes below 0.00001; ExAC 0.00001.
gnomAD v4.1: 1 of 1,614,136 alleles (0.000062%); highest among the groups gnomAD compares: East Asian, 0.0022%; no homozygotes.

Submissions (5):

Labcorp Genetics (formerly Invitae), Labcorp
Classification: Uncertain significance for Hypertrophic cardiomyopathy. Last evaluated: 2024-05-31. Review status: criteria provided, single submitter. Criteria: Invitae Variant Classification Sherloc (09022015). Collection method: clinical testing. Allele origin: germline.
Comment: This sequence change replaces glutamic acid, which is acidic and polar, with valine, which is neutral and non-polar, at codon 212 of the TPM1 protein (p.Glu212Val). This variant is present in population databases (rs769951937, gnomAD 0.006%). This missense change has been observed in individual(s) with hypertrophic cardiomyopathy (PMID: 28790153, 37652022). ClinVar contains an entry for this variant (Variation ID: 492989). An algorithm developed to predict the effect of missense changes on protein structure and function (PolyPhen-2) suggests that this variant is likely to be disruptive. In summary, the available evidence is currently insufficient to determine the role of this variant in disease. Therefore, it has been classified as a Variant of Uncertain Significance.

Blueprint Genetics
Classification: Uncertain significance. Last evaluated: 2023-01-04. Review status: criteria provided, single submitter. Criteria: ACMG Guidelines, 2015. Collection method: clinical testing. Allele origin: germline.

CHEO Genetics Diagnostic Laboratory, Children's Hospital of Eastern Ontario
Classification: Uncertain significance for Cardiomyopathy. Last evaluated: 2022-02-25. Review status: criteria provided, single submitter. Criteria: ACMG Guidelines, 2015. Collection method: clinical testing. Allele origin: germline.

Color Diagnostics, LLC DBA Color Health
Classification: Uncertain significance for Cardiomyopathy. Last evaluated: 2020-02-25. Review status: criteria provided, single submitter. Criteria: ACMG Guidelines, 2015. Collection method: clinical testing. Allele origin: germline.
Comment: This missense variant replaces glutamic acid with valine at codon 212 of the TPM1 protein. Computational prediction suggests that this variant may have deleterious impact on protein structure and function (internally defined REVEL score threshold >= 0.7, PMID: 27666373). Splice site prediction tools suggest that this variant may not impact RNA splicing. To our knowledge, functional studies have not been performed for this variant. This variant has been reported in an individual affected with hypertrophic cardiomyopathy (PMID: 28408708). This variant has been identified in 1/251306 chromosomes in the general population by the Genome Aggregation Database (gnomAD). The available evidence is insufficient to determine the role of this variant in disease conclusively. Therefore, this variant is classified as a Variant of Uncertain Significance.

Agnes Ginges Centre for Molecular Cardiology, Centenary Institute
Classification: Uncertain significance for Hypertrophic cardiomyopathy 1. Last evaluated: 2017-03-28. Review status: criteria provided, single submitter. Criteria: Agnes Ginges Centre for Molecular Cardiology criteria (2015). Collection method: research. Allele origin: germline. Inheritance: Autosomal dominant inheritance. Affected: yes.
Comment: The TPM1 Glu212Val variant is present in the large Exome Aggregation Consortium dataset as a singleton event and is absent in the 1000 genomes project. Computational tools SIFT, PolyPhen-2, PolyPhen-HCM and MutationTaster all predict this variant to have a deleterious effect. In summary, based on the limited available information and rarity in the general population, we classify TPM1 Glu212Val as a variant of "uncertain significance".

Literature cited by the submitters: PubMed 28790153 (cited by Labcorp Genetics (formerly Invitae), Labcorp); PubMed 37652022 (cited by Labcorp Genetics (formerly Invitae), Labcorp).

NM_001018005.2(TPM1):c.635A>T (p.Glu212Val)

Gene: TPM1 (tropomyosin 1; plus strand). Cytogenetic location: 15q22.2.
Variant type: single nucleotide variant.
Coding change: c.635A>T on transcript NM_001018005.2 (MANE Select); coding-DNA position 635, A replaced by T.
Protein change: p.Glu212Val; replaces glutamic acid 212 with valine.
Molecular consequence: missense variant. On other transcripts: intron variant (6).
Genome position (GRCh38, 1-based): chr15:63,061,784, A>T. VCF-style: chr15-63061784-A-T. GRCh37 (hg19) VCF-style: chr15-63353983-A-T.
Other names: c.635A>T, p.Glu212Val (NM_001018004.2, NM_001018007.2, NM_001301244.2 and 3 more transcripts); c.527A>T, p.Glu176Val (NM_001018008.2, NM_001301289.2, NM_001330346.2 and 2 more transcripts); c.761A>T, p.Glu254Val (NM_001365778.1); c.640-431A>T (NM_001018020.2, NM_001018006.2, NM_000366.6); c.532-431A>T (NM_001330351.2, NM_001330344.2, NM_001365781.2); short protein forms E212V, E176V, E254V.
Identifiers: ClinVar variation 492989 (VCV000492989.12), dbSNP rs769951937, ClinGen allele CA031004.
Genomic context (GRCh38, chr15:63,061,784, plus strand): 5'-AGCTTGAAGAAGAATTGAAAACTGTGACGAACAACTTGAAGTCACTGGAGGCTCAGGCTG[A>T]GAAGGTAGGCCAGGAGGATGGTGTGGGGGAAAGGCATCTTTTAAGAGCTGCTCAAAAGAG-3'
Protein context (NP_001018005.1, residues 202-222): NNLKSLEAQA[Glu212Val]KYSQKEDRYE